The following is an entry in ClinVar:

ClinVar aggregate classification (germline): Uncertain significance (1 of 4 stars; one submission).

Allele frequency attached by ClinVar (database versions not stated): gnomAD 0.00001; ExAC 0.00002.
gnomAD v4.1: 11 of 1,614,082 alleles (0.00068%); highest among the groups gnomAD compares: South Asian, 0.012%; no homozygotes.

Submission:

Labcorp Genetics (formerly Invitae), Labcorp
Classification: Uncertain significance. Last evaluated: 2024-01-03. Review status: criteria provided, single submitter. Criteria: Invitae Variant Classification Sherloc (09022015). Collection method: clinical testing. Allele origin: germline.
Comment: This sequence change replaces leucine, which is neutral and non-polar, with valine, which is neutral and non-polar, at codon 2156 of the ACACA protein (p.Leu2156Val). This variant is present in population databases (rs754490571, gnomAD 0.02%). This variant has not been reported in the literature in individuals affected with ACACA-related conditions. An algorithm developed to predict the effect of missense changes on protein structure and function (PolyPhen-2) suggests that this variant is likely to be tolerated. In summary, the available evidence is currently insufficient to determine the role of this variant in disease. Therefore, it has been classified as a Variant of Uncertain Significance.

NM_198834.3(ACACA):c.6577C>G (p.Leu2193Val)

Gene: ACACA (acetyl-CoA carboxylase alpha; minus strand). Cytogenetic location: 17q12.
Variant type: single nucleotide variant.
Coding change: c.6577C>G on transcript NM_198834.3 (MANE Select); coding-DNA position 6577, C replaced by G.
Protein change: p.Leu2193Val; replaces leucine 2193 with valine.
Molecular consequence: missense variant.
Genome position (GRCh38, 1-based): chr17:37,097,973, G>C on the plus strand (C>G on the coding strand, the complement: ACACA is on the minus strand). VCF-style: chr17-37097973-G-C. GRCh37 (hg19) VCF-style: chr17-35454908-G-C.
Other names: c.6466C>G, p.Leu2156Val (NM_198836.3, NM_198839.3); c.6292C>G, p.Leu2098Val (NM_198837.2); c.6232C>G, p.Leu2078Val (NM_198838.2); short protein forms L2098V, L2193V, L2156V, L2078V.
Identifiers: ClinVar variation 2781203 (VCV002781203.3), dbSNP rs754490571, ClinGen allele CA8514597.